The following is an entry in ClinVar:

NM_020163.3(SEMA3G):c.1317C>G (p.Ile439Met)

Gene: SEMA3G (semaphorin 3G; minus strand). Cytogenetic location: 3p21.1.
Variant type: single nucleotide variant.
Coding change: c.1317C>G on transcript NM_020163.3 (MANE Select); coding-DNA position 1317, C replaced by G.
Protein change: p.Ile439Met; replaces isoleucine 439 with methionine.
Molecular consequence: missense variant.
Genome position (GRCh38, 1-based): chr3:52,439,925, G>C on the plus strand (C>G on the coding strand, the complement: SEMA3G is on the minus strand). VCF-style: chr3-52439925-G-C. GRCh37 (hg19) VCF-style: chr3-52473941-G-C.
Other names: short protein forms I439M.
Identifiers: ClinVar variation 4977512 (VCV004977512.1).

ClinVar aggregate classification (germline): Uncertain significance (1 of 4 stars; one submission).

Conditions:
SEMA3G-related disorder. Also called: SEMA3G-related condition.

gnomAD v4.1: 25 of 1,613,854 alleles (0.0015%); highest among the groups gnomAD compares: Non-Finnish European, 0.0019%; no homozygotes.

Submission:

PreventionGenetics, part of Exact Sciences
Classification: Uncertain significance for SEMA3G-related condition. Last evaluated: 2026-06-27. Review status: criteria provided, single submitter. Criteria: ACMG Guidelines, 2015. Collection method: clinical testing. Allele origin: germline.
Comment: The SEMA3G c.1317C>G variant is predicted to result in the amino acid substitution p.Ile439Met. To our knowledge, this variant has not been reported in the literature. This variant is reported in 0.00088% of alleles in individuals of European (Non-Finnish) descent in gnomAD. At this time, the clinical significance of this variant is uncertain due to the absence of conclusive functional and genetic evidence.